The following is an entry in ClinVar:

NM_014415.4(ZBTB11):c.694T>C (p.Leu232=)

Gene: ZBTB11 (zinc finger and BTB domain containing 11; minus strand). Cytogenetic location: 3q12.3.
Variant type: single nucleotide variant.
Coding change: c.694T>C on transcript NM_014415.4 (MANE Select); coding-DNA position 694, T replaced by C.
Protein change: p.Leu232=; no amino-acid change (leucine 232 retained).
Molecular consequence: synonymous variant.
Genome position (GRCh38, 1-based): chr3:101,671,214, A>G on the plus strand (T>C on the coding strand, the complement: ZBTB11 is on the minus strand). VCF-style: chr3-101671214-A-G. GRCh37 (hg19) VCF-style: chr3-101390058-A-G.
Identifiers: ClinVar variation 4872511 (VCV004872511.2).

ClinVar aggregate classification (germline): Likely benign (1 of 4 stars; one submission).

gnomAD v4.1: 74 of 1,614,104 alleles (0.0046%); highest among the groups gnomAD compares: Admixed American, 0.12%; no homozygotes.

Submission:

CeGaT Center for Human Genetics Tuebingen
Classification: Likely benign. Last evaluated: 2026-06-01. Review status: criteria provided, single submitter. Criteria: CeGaT Center For Human Genetics Tuebingen Variant Classification Criteria Version 2. Collection method: clinical testing. Allele origin: germline. Affected: yes. Observed: 2 variant alleles.
Comment: ZBTB11: BP4, BP7